The following is an entry in ClinVar:

NM_000093.5(COL5A1):c.2485-18C>T

Gene: COL5A1 (collagen type V alpha 1 chain; plus strand). Cytogenetic location: 9q34.3.
Variant type: single nucleotide variant.
Coding change: c.2485-18C>T on transcript NM_000093.5 (MANE Select); 18 bases into the intron before coding-DNA position 2485, C replaced by T.
Molecular consequence: intron variant.
Genome position (GRCh38, 1-based): chr9:134,784,971, C>T. VCF-style: chr9-134784971-C-T. GRCh37 (hg19) VCF-style: chr9-137676817-C-T.
Other names: c.2485-18C>T (NM_001278074.1).
Identifiers: ClinVar variation 508021 (VCV000508021.8), dbSNP rs757531928, ClinGen allele CA5319427.

ClinVar aggregate classification (germline): Likely benign. Review status: criteria provided, multiple submitters, no conflicts (2 of 4 stars). 4 submissions from 4 submitters: Likely benign (4). Last evaluated 2026-02-16.

Conditions:
Ehlers-Danlos syndrome, classic type, 1 (EDSCL1). Also called: EHLERS-DANLOS SYNDROME, GRAVIS TYPE; EHLERS-DANLOS SYNDROME, SEVERE CLASSIC TYPE; Ehlers-Danlos syndrome, type 1; Ehlers-Danlos Syndrome, Classic Type, COL5A1-Related; EDS I. Identifiers: MedGen C0268335, MONDO:0019567, OMIM 130000.

Allele frequency attached by ClinVar (database versions not stated): TOPMed below 0.00001; gnomAD 0.00001; gnomAD exomes 0.00002; ExAC 0.00003.
gnomAD v4.1: 12 of 1,552,462 alleles (0.00077%); highest among the groups gnomAD compares: Non-Finnish European, 0.0011%; no homozygotes.

Submissions (4):

Women's Health and Genetics/Laboratory Corporation of America, LabCorp
Classification: Likely benign. Last evaluated: 2026-02-16. Review status: criteria provided, single submitter. Criteria: LabCorp Variant Classification Summary - May 2015. Collection method: clinical testing. Allele origin: germline.

Labcorp Genetics (formerly Invitae), Labcorp
Classification: Likely benign for Ehlers-Danlos syndrome, classic type, 1. Last evaluated: 2025-10-17. Review status: criteria provided, single submitter. Criteria: Invitae Variant Classification Sherloc (09022015). Collection method: clinical testing. Allele origin: germline.

Blueprint Genetics
Classification: Likely benign. Last evaluated: 2024-07-17. Review status: criteria provided, single submitter. Criteria: ACMG Guidelines, 2015. Collection method: clinical testing. Allele origin: germline.

GeneDx
Classification: Likely benign. Last evaluated: 2017-03-21. Review status: criteria provided, single submitter. Criteria: GeneDx Variant Classification (06012015). Collection method: clinical testing. Allele origin: germline. Affected: yes.
Comment: This variant is considered likely benign or benign based on one or more of the following criteria: it is a conservative change, it occurs at a poorly conserved position in the protein, it is predicted to be benign by multiple in silico algorithms, and/or has population frequency not consistent with disease.